The following is an entry in ClinVar:

ClinVar aggregate classification (germline): Pathogenic (1 of 4 stars; one submission).

Submission:

Labcorp Genetics (formerly Invitae), Labcorp
Classification: Pathogenic. Last evaluated: 2023-07-06. Review status: criteria provided, single submitter. Criteria: Invitae Variant Classification Sherloc (09022015). Collection method: clinical testing. Allele origin: germline.
Comment: For these reasons, this variant has been classified as Pathogenic. This variant has not been reported in the literature in individuals affected with EIF2B5-related conditions. This variant is not present in population databases (gnomAD no frequency). This sequence change creates a premature translational stop signal (p.Ser157*) in the EIF2B5 gene. It is expected to result in an absent or disrupted protein product. Loss-of-function variants in EIF2B5 are known to be pathogenic (PMID: 11704758, 15060152, 21307862).

Literature cited by the submitters: PubMed 11704758; PubMed 15060152; PubMed 21307862.

NM_003907.3(EIF2B5):c.470C>G (p.Ser157Ter)

Gene: EIF2B5 (eukaryotic translation initiation factor 2B subunit epsilon; plus strand). Cytogenetic location: 3q27.1.
Variant type: single nucleotide variant.
Coding change: c.470C>G on transcript NM_003907.3 (MANE Select); coding-DNA position 470, C replaced by G.
Protein change: p.Ser157Ter; replaces serine 157 with a stop codon.
Molecular consequence: nonsense.
Genome position (GRCh38, 1-based): chr3:184,137,769, C>G. VCF-style: chr3-184137769-C-G. GRCh37 (hg19) VCF-style: chr3-183855557-C-G.
Other names: short protein forms S157*.
Identifiers: ClinVar variation 2736131 (VCV002736131.3), dbSNP rs2473661266, ClinGen allele CA355382023.